The following is an entry in ClinVar:

ClinVar aggregate classification (germline): Likely pathogenic (1 of 4 stars; one submission).

Conditions:
Sitosterolemia 2. Identifiers: MedGen C5231453, MONDO:0020748, OMIM 618666.

Submission:

Clinical Genetics Laboratory, Region Ostergotland
Classification: Likely pathogenic for Sitosterolemia 2. Last evaluated: 2026-01-30. Review status: criteria provided, single submitter. Criteria: ACMG Guidelines, 2015. Collection method: clinical testing. Allele origin: germline. Affected: yes.
Comment: The variant is not found in population database (no frequency gnomAD v4.1.0 (non-UKB)). The following ACMG/AMP criteria were applied in classifying this variant: PM2, PVS1

NM_022436.3(ABCG5):c.191G>A (p.Trp64Ter)

Gene: ABCG5 (ATP binding cassette subfamily G member 5; minus strand). Cytogenetic location: 2p21.
Variant type: single nucleotide variant.
Coding change: c.191G>A on transcript NM_022436.3 (MANE Select); coding-DNA position 191, G replaced by A.
Protein change: p.Trp64Ter; replaces tryptophan 64 with a stop codon.
Molecular consequence: nonsense.
Genome position (GRCh38, 1-based): chr2:43,837,908, C>T on the plus strand (G>A on the coding strand, the complement: ABCG5 is on the minus strand). VCF-style: chr2-43837908-C-T. GRCh37 (hg19) VCF-style: chr2-44065047-C-T.
Other names: short protein forms W64*.
Identifiers: ClinVar variation 4819397 (VCV004819397.2).
Genomic context (GRCh38, chr2:43,837,908, plus strand): 5'-ATGCACATGATCTGCCCGCTCTCCACGTACAAGGAGACATCTTTGAGGATCTGCCTGGTC[C>T]ACTGCTGCCGGCAAGATGTGATGTCCCACCAGGGCCTCACGCGGTGGCTTTAAAGGAAAC-3'